The following is an entry in ClinVar:

NM_004371.4(COPA):c.3512C>T (p.Ala1171Val)

Gene: COPA (coat protein complex I subunit alpha; minus strand). Cytogenetic location: 1q23.2.
Variant type: single nucleotide variant.
Coding change: c.3512C>T on transcript NM_004371.4 (MANE Select); coding-DNA position 3512, C replaced by T.
Protein change: p.Ala1171Val; replaces alanine 1171 with valine.
Molecular consequence: missense variant.
Genome position (GRCh38, 1-based): chr1:160,290,595, G>A on the plus strand (C>T on the coding strand, the complement: COPA is on the minus strand). VCF-style: chr1-160290595-G-A. GRCh37 (hg19) VCF-style: chr1-160260385-G-A.
Other names: c.3539C>T, p.Ala1180Val (NM_001098398.2); short protein forms A1171V, A1180V.
Identifiers: ClinVar variation 1383178 (VCV001383178.8), dbSNP rs1189969466, ClinGen allele CA343269158.
Genomic context (GRCh38, chr1:160,290,595, plus strand): 5'-CAGGCCCCACTGAGTGGACACTTTTCTACTGGCTTTCCACGGTAGATGGGCCGATATGAT[G>A]CAGCACAAATGTCAAAGGGGTTGTGCATGTCATAATTGAGCTGGTAGGCATCTGTGGGAT-3'
Protein context (NP_004362.2, residues 1161-1181): DMHNPFDICA[Ala1171Val]SYRPIYRGKP

ClinVar aggregate classification (germline): Uncertain significance (1 of 4 stars; one submission).

Conditions:
Autoimmune interstitial lung disease-arthritis syndrome. Also called: Autoinflammation and autoimmunity, systemic, with immune dysregulation. Identifiers: Orphanet 444092, MedGen C5975714, MONDO:0014629.

Allele frequency attached by ClinVar (database versions not stated): TOPMed 0.00001.

Submission:

Labcorp Genetics (formerly Invitae), Labcorp
Classification: Uncertain significance for Autoimmune interstitial lung disease-arthritis syndrome. Last evaluated: 2022-07-19. Review status: criteria provided, single submitter. Criteria: Invitae Variant Classification Sherloc (09022015). Collection method: clinical testing. Allele origin: germline.
Comment: In summary, the available evidence is currently insufficient to determine the role of this variant in disease. Therefore, it has been classified as a Variant of Uncertain Significance. Advanced modeling of protein sequence and biophysical properties (such as structural, functional, and spatial information, amino acid conservation, physicochemical variation, residue mobility, and thermodynamic stability) performed at Invitae indicates that this missense variant is not expected to disrupt COPA protein function. ClinVar contains an entry for this variant (Variation ID: 1383178). This variant has not been reported in the literature in individuals affected with COPA-related conditions. This variant is not present in population databases (gnomAD no frequency). This sequence change replaces alanine, which is neutral and non-polar, with valine, which is neutral and non-polar, at codon 1171 of the COPA protein (p.Ala1171Val).